The following is an entry in ClinVar:

ClinVar aggregate classification (germline): Likely benign. Review status: criteria provided, multiple submitters, no conflicts (2 of 4 stars). 4 submissions from 4 submitters: Likely benign (3). 1 of the submissions does not count toward it. Last evaluated 2026-01-26.

Conditions:
COL11A2-related disorder. Also called: COL11A2-related condition; COL11A2-related disorders.

Allele frequency attached by ClinVar (database versions not stated): gnomAD exomes 0.00007 and 0.00008; ExAC 0.00010; 1000 Genomes Project 0.00020; gnomAD 0.00029 and 0.00032; 1000 Genomes Project 30x 0.00031; TOPMed 0.00038.
gnomAD v4.1: 147 of 1,551,130 alleles (0.0095%); highest among the groups gnomAD compares: Middle Eastern, 0.12%; 1 homozygote.

Submissions (4):

Labcorp Genetics (formerly Invitae), Labcorp
Classification: Likely benign. Last evaluated: 2026-01-26. Review status: criteria provided, single submitter. Criteria: Invitae Variant Classification Sherloc (09022015). Collection method: clinical testing. Allele origin: germline.

Blueprint Genetics
Classification: Likely benign. Last evaluated: 2024-11-20. Review status: criteria provided, single submitter. Criteria: ACMG Guidelines, 2015. Collection method: clinical testing. Allele origin: germline.

GeneDx
Classification: Likely benign. Last evaluated: 2019-10-22. Review status: criteria provided, single submitter. Criteria: GeneDx Variant Classification Process June 2021. Collection method: clinical testing. Allele origin: germline. Affected: yes.

PreventionGenetics, part of Exact Sciences
Classification: Likely benign for COL11A2-related condition. Last evaluated: 2019-07-22. Review status: no assertion criteria provided. Collection method: clinical testing. Allele origin: germline. Not counted in ClinVar's aggregate classification.
Comment: This variant is classified as likely benign based on ACMG/AMP sequence variant interpretation guidelines (Richards et al. 2015 PMID: 25741868, with internal and published modifications).

NM_080680.3(COL11A2):c.882C>T (p.Pro294=)

Gene: COL11A2 (collagen type XI alpha 2 chain; minus strand). Cytogenetic location: 6p21.32.
Variant type: single nucleotide variant.
Coding change: c.882C>T on transcript NM_080680.3 (MANE Select); coding-DNA position 882, C replaced by T.
Protein change: p.Pro294=; no amino-acid change (proline 294 retained).
Molecular consequence: synonymous variant. On other transcripts: intron variant (1).
Genome position (GRCh38, 1-based): chr6:33,185,049, G>A on the plus strand (C>T on the coding strand, the complement: COL11A2 is on the minus strand). VCF-style: chr6-33185049-G-A. GRCh37 (hg19) VCF-style: chr6-33152826-G-A.
Other names: c.804C>T, p.Pro268= (NM_080681.3); c.798+1578C>T (NM_080679.3).
Identifiers: ClinVar variation 682610 (VCV000682610.13), dbSNP rs566296770, ClinGen allele CA3751525.